The following is an entry in ClinVar:

ClinVar aggregate classification (germline): Uncertain significance (1 of 4 stars; one submission).

Conditions:
Cardiovascular phenotype. Identifiers: MedGen CN230736.

gnomAD v4.1: 1 of 1,549,048 alleles (0.000065%); highest among the groups gnomAD compares: East Asian, 0.0024%; no homozygotes.

Submission:

Ambry Genetics
Classification: Uncertain significance for Cardiovascular phenotype. Last evaluated: 2022-08-03. Review status: criteria provided, single submitter. Criteria: Ambry Variant Classification Scheme 2023. Collection method: clinical testing. Allele origin: germline.
Comment: The p.G2851R variant (also known as c.8551G>C), located in coding exon 2 of the ZNF469 gene, results from a G to C substitution at nucleotide position 8551. The glycine at codon 2851 is replaced by arginine, an amino acid with dissimilar properties. This amino acid position is conserved. In addition, this alteration is predicted to be tolerated by in silico analysis. Since supporting evidence is limited at this time, the clinical significance of this alteration remains unclear.

NM_001367624.2(ZNF469):c.8635G>C (p.Gly2879Arg)

Gene: ZNF469 (zinc finger protein 469; plus strand). Cytogenetic location: 16q24.2.
Variant type: single nucleotide variant.
Coding change: c.8635G>C on transcript NM_001367624.2 (MANE Select); coding-DNA position 8635, G replaced by C.
Protein change: p.Gly2879Arg; replaces glycine 2879 with arginine.
Molecular consequence: missense variant.
Genome position (GRCh38, 1-based): chr16:88,436,105, G>C. VCF-style: chr16-88436105-G-C. GRCh37 (hg19) VCF-style: chr16-88502513-G-C.
Other names: NM_001127464.1:c.8551G>C; short protein forms G2879R.
Identifiers: ClinVar variation 1763828 (VCV001763828.2), dbSNP rs1197452073, ClinGen allele CA397118933.